The following is an entry in ClinVar:

ClinVar aggregate classification (germline): Likely benign. Review status: criteria provided, single submitter (1 of 4 stars). 2 submissions from 2 submitters: Likely benign (1). 1 of the submissions does not count toward it. Last evaluated 2024-01-06.

Conditions:
IFT172-related disorder. Also called: IFT172-related condition; IFT172-related disorders.
Retinitis pigmentosa 71 (RP71). Identifiers: Orphanet 791, MedGen C4225342, MONDO:0014618, OMIM 616394.
Short-rib thoracic dysplasia 10 with or without polydactyly (SRTD10). Identifiers: Orphanet 474, MedGen C3810175, MONDO:0014284, OMIM 615630.

Allele frequency attached by ClinVar (database versions not stated): gnomAD exomes below 0.00001; TOPMed 0.00001; gnomAD 0.00002.
gnomAD v4.1: 8 of 1,614,068 alleles (0.0005%); highest among the groups gnomAD compares: African/African-American, 0.0053%; no homozygotes.

Submissions (2):

Labcorp Genetics (formerly Invitae), Labcorp
Classification: Likely benign for Retinitis pigmentosa 71; Short-rib thoracic dysplasia 10 with or without polydactyly. Last evaluated: 2024-01-06. Review status: criteria provided, single submitter. Criteria: Invitae Variant Classification Sherloc (09022015). Collection method: clinical testing. Allele origin: germline.

PreventionGenetics, part of Exact Sciences
Classification: Likely benign for IFT172-related condition. Last evaluated: 2020-10-15. Review status: no assertion criteria provided. Collection method: clinical testing. Allele origin: germline. Not counted in ClinVar's aggregate classification.
Comment: This variant is classified as likely benign based on ACMG/AMP sequence variant interpretation guidelines (Richards et al. 2015 PMID: 25741868, with internal and published modifications).

NM_015662.3(IFT172):c.4161-10A>G

Gene: IFT172 (intraflagellar transport 172; minus strand). Cytogenetic location: 2p23.3.
Variant type: single nucleotide variant.
Coding change: c.4161-10A>G on transcript NM_015662.3 (MANE Select); 10 bases into the intron before coding-DNA position 4161, A replaced by G.
Molecular consequence: intron variant.
Genome position (GRCh38, 1-based): chr2:27,449,572, T>C on the plus strand (A>G on the coding strand, the complement: IFT172 is on the minus strand). VCF-style: chr2-27449572-T-C. GRCh37 (hg19) VCF-style: chr2-27672439-T-C.
Other names: c.4095-10A>G (NM_001410739.1); c.4161-10A>G (NM_015662.2).
Identifiers: ClinVar variation 2937626 (VCV002937626.4), dbSNP rs1175298136, ClinGen allele CA531765505.
Genomic context (GRCh38, chr2:27,449,572, plus strand): 5'-CCCTGATTCTTGAGGAACTCTTTATAATGCTGGTCCACATAGTCTTCATACCTGTGAAGA[T>C]GTTCAGAGAGCTCCATCTTCATGTTCCAGAATACCAACCCTCCCGGTAAGACTTTCTCCC-3'